The following is an entry in ClinVar:

NM_015330.6(SPECC1L):c.2354del (p.Asn785fs)

Genes: SPECC1L (sperm antigen with calponin homology and coiled-coil domains 1 like; plus strand), SPECC1L-ADORA2A (SPECC1L-ADORA2A readthrough (NMD candidate); plus strand). Cytogenetic location: 22q11.23.
Variant type: Deletion.
Coding change: c.2354del on transcript NM_015330.6 (MANE Select); coding-DNA position 2354, one base deleted (A; older notation c.2354delA).
Protein change: p.Asn785fs; shifts the reading frame from asparagine 785.
Molecular consequence: frameshift variant. On other transcripts: non-coding transcript variant (1).
Genome position (GRCh38, 1-based): chr22:24,330,389, A deleted; the last of 7 consecutive A bases (chr22:24,330,383-24,330,389); deleting any one gives the same sequence. VCF-style (leftmost placement, unchanged base first): chr22-24330382-GA-G. GRCh37 (hg19) VCF-style: chr22-24726350-GA-G.
Other names: c.2354del, p.Asn785fs (NM_001145468.4, NM_001254732.3); short protein forms N785fs.
Identifiers: ClinVar variation 4886297 (VCV004886297.2).

ClinVar aggregate classification (germline): Uncertain significance (1 of 4 stars; one submission).

Submission:

Dasa
Classification: Uncertain significance. Last evaluated: 2025-12-22. Review status: criteria provided, single submitter. Criteria: DASA Assertion Criteria. Collection method: clinical testing. Allele origin: germline.
Comment: NM_015330.6(SPECC1L):c.2354del (p.Asn785Metfs*11) is a frameshift variant in SPECC1L predicted to alter the reading frame and introduce a premature termination codon. This variant is rare in population databases. The currently available literature and clinical evidence are not sufficient to establish a definitive association between this variant and the reported condition. Therefore, this variant is classified as a variant of uncertain significance.